The following is an entry in ClinVar:

NM_000286.3(PEX12):c.680+3A>G

Gene: PEX12 (peroxisomal biogenesis factor 12; minus strand). Cytogenetic location: 17q12.
Variant type: single nucleotide variant.
Coding change: c.680+3A>G on transcript NM_000286.3 (MANE Select); 3 bases into the intron after coding-DNA position 680, A replaced by G.
Molecular consequence: intron variant.
Genome position (GRCh38, 1-based): chr17:35,577,035, T>C on the plus strand (A>G on the coding strand, the complement: PEX12 is on the minus strand). VCF-style: chr17-35577035-T-C. GRCh37 (hg19) VCF-style: chr17-33904054-T-C.
Identifiers: ClinVar variation 2017848 (VCV002017848.4), dbSNP rs2509169460, ClinGen allele CA2580093587.

ClinVar aggregate classification (germline): Uncertain significance (1 of 4 stars; one submission).

Conditions:
Peroxisome biogenesis disorder 3A (Zellweger). Also called: PEROXISOMAL BIOGENESIS DISORDER 3A (ZELLWEGER); Peroxisome biogenesis disorder 3A. Identifiers: Orphanet 912, MedGen C3553929, MONDO:0013927, OMIM 614859.

Submission:

Labcorp Genetics (formerly Invitae), Labcorp
Classification: Uncertain significance for Peroxisome biogenesis disorder 3A (Zellweger). Last evaluated: 2024-08-19. Review status: criteria provided, single submitter. Criteria: Invitae Variant Classification Sherloc (09022015). Collection method: clinical testing. Allele origin: germline.
Comment: This sequence change falls in intron 2 of the PEX12 gene. It does not directly change the encoded amino acid sequence of the PEX12 protein. It affects a nucleotide within the consensus splice site. This variant is not present in population databases (gnomAD no frequency). This variant has not been reported in the literature in individuals affected with PEX12-related conditions. ClinVar contains an entry for this variant (Variation ID: 2017848). Variants that disrupt the consensus splice site are a relatively common cause of aberrant splicing (PMID: 17576681, 9536098). Algorithms developed to predict the effect of sequence changes on RNA splicing suggest that this variant is not likely to affect RNA splicing. In summary, the available evidence is currently insufficient to determine the role of this variant in disease. Therefore, it has been classified as a Variant of Uncertain Significance.

Literature cited by the submitters: PubMed 17576681; PubMed 9536098.